The following is an entry in ClinVar:

NM_176824.3(BBS7):c.1312G>A (p.Asp438Asn)

Gene: BBS7 (Bardet-Biedl syndrome 7; minus strand). Cytogenetic location: 4q27.
Variant type: single nucleotide variant.
Coding change: c.1312G>A on transcript NM_176824.3 (MANE Select); coding-DNA position 1312, G replaced by A.
Protein change: p.Asp438Asn; replaces aspartic acid 438 with asparagine.
Molecular consequence: missense variant.
Genome position (GRCh38, 1-based): chr4:121,839,690, C>T on the plus strand (G>A on the coding strand, the complement: BBS7 is on the minus strand). VCF-style: chr4-121839690-C-T. GRCh37 (hg19) VCF-style: chr4-122760845-C-T.
Other names: c.1312G>A, p.Asp438Asn (NM_018190.4); short protein forms D438N.
Identifiers: ClinVar variation 2041593 (VCV002041593.3), dbSNP rs758958242, ClinGen allele CA3064257.

ClinVar aggregate classification (germline): Uncertain significance. Review status: criteria provided, multiple submitters, no conflicts (2 of 4 stars). 2 submissions from 2 submitters: Uncertain significance (2). Last evaluated 2025-10-21.

Conditions:
Bardet-Biedl syndrome (BBS). Identifiers: Orphanet 110, MedGen C0752166, MONDO:0015229.
Inborn genetic diseases. Identifiers: MedGen C0950123, MeSH D030342.

Allele frequency attached by ClinVar (database versions not stated): TOPMed 0.00001; ExAC 0.00003.
gnomAD v4.1: 15 of 1,613,324 alleles (0.00093%); highest among the groups gnomAD compares: South Asian, 0.0055%; no homozygotes.

Submissions (2):

Labcorp Genetics (formerly Invitae), Labcorp
Classification: Uncertain significance for Bardet-Biedl syndrome. Last evaluated: 2025-10-21. Review status: criteria provided, single submitter. Criteria: Invitae Variant Classification Sherloc (09022015). Collection method: clinical testing. Allele origin: germline.
Comment: This sequence change replaces aspartic acid, which is acidic and polar, with asparagine, which is neutral and polar, at codon 438 of the BBS7 protein (p.Asp438Asn). This variant is present in population databases (rs758958242, gnomAD 0.01%). This variant has not been reported in the literature in individuals affected with BBS7-related conditions. ClinVar contains an entry for this variant (Variation ID: 2041593). Invitae Evidence Modeling of protein sequence and biophysical properties (such as structural, functional, and spatial information, amino acid conservation, physicochemical variation, residue mobility, and thermodynamic stability) indicates that this missense variant is not expected to disrupt BBS7 protein function with a negative predictive value of 80%. In summary, the available evidence is currently insufficient to determine the role of this variant in disease. Therefore, it has been classified as a Variant of Uncertain Significance.

Ambry Genetics
Classification: Uncertain significance for Inborn genetic diseases. Last evaluated: 2022-12-16. Review status: criteria provided, single submitter. Criteria: Ambry Variant Classification Scheme 2023. Collection method: clinical testing. Allele origin: germline.